The following is an entry in ClinVar:

ClinVar aggregate classification (germline): Pathogenic. Review status: criteria provided, multiple submitters, no conflicts (2 of 4 stars). 2 submissions from 2 submitters: Pathogenic (2). Last evaluated 2024-04-03.

Conditions:
COL5A1-related disorders.

Submissions (2):

Blueprint Genetics
Classification: Pathogenic for COL5A1-related disorders. Last evaluated: 2024-04-03. Review status: criteria provided, single submitter. Criteria: ACMG Guidelines, 2015. Collection method: clinical testing. Allele origin: germline. Affected: yes. Observed: 1 variant allele.

GeneDx
Classification: Pathogenic. Last evaluated: 2019-04-18. Review status: criteria provided, single submitter. Criteria: GeneDx Variant Classification Process June 2021. Collection method: clinical testing. Allele origin: germline. Affected: yes.
Comment: Not observed in large population cohorts (Lek et al., 2016); Frameshift variant predicted to result in protein truncation or nonsense mediated decay in a gene for which loss-of-function is a known mechanism of disease; This variant is associated with the following publications: (PMID: 22696272)

NM_000093.5(COL5A1):c.5031dup (p.Ser1678fs)

Genes: COL5A1 (collagen type V alpha 1 chain; plus strand), LOC101448202 (uncharacterized LOC101448202; minus strand). Cytogenetic location: 9q34.3.
Variant type: Duplication.
Coding change: c.5031dup on transcript NM_000093.5 (MANE Select); coding-DNA position 5031, one base duplicated (G; older notation c.5031dupG).
Protein change: p.Ser1678fs; shifts the reading frame from serine 1678.
Molecular consequence: frameshift variant.
Genome position (GRCh38, 1-based): chr9:134,825,868, G duplicated; the last of 6 consecutive G bases (chr9:134,825,863-134,825,868); duplicating any one gives the same sequence. VCF-style (leftmost placement, unchanged base first): chr9-134825862-C-CG. GRCh37 (hg19) VCF-style: chr9-137717708-C-CG.
Other names: c.5031dup, p.Ser1678fs (NM_001278074.1); short protein forms S1678fs.
Identifiers: ClinVar variation 1187839 (VCV001187839.3), dbSNP rs2132887747, ClinGen allele CA2499219772.